The following is an entry in ClinVar:

NM_021625.5(TRPV4):c.1636G>A (p.Asp546Asn)

Gene: TRPV4 (transient receptor potential cation channel subfamily V member 4; minus strand). Cytogenetic location: 12q24.11.
Variant type: single nucleotide variant.
Coding change: c.1636G>A on transcript NM_021625.5 (MANE Select); coding-DNA position 1636, G replaced by A.
Protein change: p.Asp546Asn; replaces aspartic acid 546 with asparagine.
Molecular consequence: missense variant.
Genome position (GRCh38, 1-based): chr12:109,793,549, C>T on the plus strand (G>A on the coding strand, the complement: TRPV4 is on the minus strand). VCF-style: chr12-109793549-C-T. GRCh37 (hg19) VCF-style: chr12-110231354-C-T.
Other names: c.1495G>A, p.Asp499Asn (NM_001177428.2); c.1534G>A, p.Asp512Asn (NM_001177431.2); c.1315G>A, p.Asp439Asn (NM_001177433.2); c.1456G>A, p.Asp486Asn (NM_147204.3); short protein forms D486N, D512N, D439N, D499N, D546N.
Identifiers: ClinVar variation 2701089 (VCV002701089.3), dbSNP rs2548728727, ClinGen allele CA386651584.

ClinVar aggregate classification (germline): Uncertain significance (1 of 4 stars; one submission).

Conditions:
Charcot-Marie-Tooth disease axonal type 2C (HMSN2C). Also called: CHARCOT-MARIE-TOOTH DISEASE, AXONAL, AUTOSOMAL DOMINANT, TYPE 2C; Charcot-Marie-Tooth Neuropathy Type 2C; Charcot-Marie-Tooth Disease Type 2, TRPV4-Related (CMT2C). Identifiers: Orphanet 99937, MedGen C1853710, MONDO:0011633, OMIM 606071.

Allele frequency attached by ClinVar (database versions not stated): gnomAD exomes below 0.00001.
gnomAD v4.1: 2 of 1,613,898 alleles (0.00012%); highest among the groups gnomAD compares: Non-Finnish European, 0.00017%; no homozygotes.

Submission:

Labcorp Genetics (formerly Invitae), Labcorp
Classification: Uncertain significance for Charcot-Marie-Tooth disease axonal type 2C. Last evaluated: 2023-12-05. Review status: criteria provided, single submitter. Criteria: Invitae Variant Classification Sherloc (09022015). Collection method: clinical testing. Allele origin: germline.
Comment: This sequence change replaces aspartic acid, which is acidic and polar, with asparagine, which is neutral and polar, at codon 546 of the TRPV4 protein (p.Asp546Asn). This variant is not present in population databases (gnomAD no frequency). This variant has not been reported in the literature in individuals affected with TRPV4-related conditions. Advanced modeling of protein sequence and biophysical properties (such as structural, functional, and spatial information, amino acid conservation, physicochemical variation, residue mobility, and thermodynamic stability) has been performed at Invitae for this missense variant, however the output from this modeling did not meet the statistical confidence thresholds required to predict the impact of this variant on TRPV4 protein function. In summary, the available evidence is currently insufficient to determine the role of this variant in disease. Therefore, it has been classified as a Variant of Uncertain Significance.